The following is an entry in ClinVar:

NM_004959.5(NR5A1):c.1079C>T (p.Ala360Val)

Gene: NR5A1 (nuclear receptor subfamily 5 group A member 1; minus strand). Cytogenetic location: 9q33.3.
Variant type: single nucleotide variant.
Coding change: c.1079C>T on transcript NM_004959.5 (MANE Select); coding-DNA position 1079, C replaced by T.
Protein change: p.Ala360Val; replaces alanine 360 with valine.
Molecular consequence: missense variant.
Genome position (GRCh38, 1-based): chr9:124,491,140, G>A on the plus strand (C>T on the coding strand, the complement: NR5A1 is on the minus strand). VCF-style: chr9-124491140-G-A. GRCh37 (hg19) VCF-style: chr9-127253419-G-A.
Other names: short protein forms A360V.
Identifiers: ClinVar variation 1244253 (VCV001244253.4), dbSNP rs369097872, ClinGen allele CA5235292.

ClinVar aggregate classification (germline): Conflicting classifications of pathogenicity. Review status: criteria provided, conflicting classifications (1 of 4 stars). 3 submissions from 2 submitters: Likely pathogenic (1); Uncertain significance (2). Last evaluated 2024-01-16.

Conditions:
Male infertility. Identifiers: MedGen C0021364, MeSH D007248, MONDO:0005372, HP:0003251.
Spermatogenic failure 8 (SPGF8). Identifiers: MedGen C3151406, MONDO:0013504, OMIM 613957.
Non-obstructive azoospermia. Identifiers: MedGen C4021107, HP:0011961.

Allele frequency attached by ClinVar (database versions not stated): gnomAD 0.00001; TOPMed 0.00001; ExAC 0.00003; ESP Exome Variant Server 0.00008.
gnomAD v4.1: 8 of 1,607,806 alleles (0.0005%); highest among the groups gnomAD compares: East Asian, 0.0022%; no homozygotes.

Submissions (3):

Institute of Reproductive Genetics, University of Münster
Classification: Uncertain significance for Male infertility. Last evaluated: 2024-01-16. Review status: criteria provided, single submitter. Criteria: Uk Practice Guidelines For Variant Classification V4 01 2020. Collection method: research, in vitro. Allele origin: germline, not applicable. Observed: 1 variant allele, 1 heterozygote.

Institute of Reproductive Genetics, University of Münster
Classification: Likely pathogenic for Non-obstructive azoospermia. Last evaluated: 2021-08-23. Review status: criteria provided, single submitter. Criteria: ACMG Guidelines, 2015. Collection method: research. Allele origin: germline. Affected: yes. Observed: 1 variant allele.

Juno Genomics, Hangzhou Juno Genomics, Inc
Classification: Uncertain significance for Spermatogenic failure 8. Review status: criteria provided, single submitter. Criteria: ACMG Guidelines, 2015. Collection method: clinical testing. Allele origin: germline. Affected: yes.
Comment: Absent from controls (or at extremely low frequency if recessive) in Genome Aggregation Database, Exome Sequencing Project, 1000 Genomes Project, or Exome Aggregation Consortium.;Patient's phenotype or family history is highly specific for a disease with a single genetic etiology.